The following is an entry in ClinVar:

ClinVar aggregate classification (germline): Uncertain significance (1 of 4 stars; one submission).

Conditions:
Familial thoracic aortic aneurysm and aortic dissection (TAAD). Also called: Thoracic aortic aneurysms and dissections. Identifiers: Orphanet 91387, MedGen C4707243, MONDO:0019625.

Submission:

Ambry Genetics
Classification: Uncertain significance for Familial thoracic aortic aneurysm and aortic dissection. Last evaluated: 2021-10-29. Review status: criteria provided, single submitter. Criteria: Ambry Variant Classification Scheme 2023. Collection method: clinical testing. Allele origin: germline.
Comment: The p.G518A variant (also known as c.1553G>C), located in coding exon 12 of the FBN1 gene, results from a G to C substitution at nucleotide position 1553. The glycine at codon 518 is replaced by alanine, an amino acid with similar properties. This amino acid position is highly conserved in available vertebrate species. In addition, this alteration is predicted to be deleterious by in silico analysis. Since supporting evidence is limited at this time, the clinical significance of this alteration remains unclear.

NM_000138.5(FBN1):c.1553G>C (p.Gly518Ala)

Gene: FBN1 (fibrillin 1; minus strand). Cytogenetic location: 15q21.1.
Variant type: single nucleotide variant.
Coding change: c.1553G>C on transcript NM_000138.5 (MANE Select); coding-DNA position 1553, G replaced by C.
Protein change: p.Gly518Ala; replaces glycine 518 with alanine.
Molecular consequence: missense variant.
Genome position (GRCh38, 1-based): chr15:48,513,584, C>G on the plus strand (G>C on the coding strand, the complement: FBN1 is on the minus strand). VCF-style: chr15-48513584-C-G. GRCh37 (hg19) VCF-style: chr15-48805781-C-G.
Other names: c.1553G>C, p.Gly518Ala (NM_001406716.1); short protein forms G518A.
Identifiers: ClinVar variation 1775110 (VCV001775110.2), dbSNP rs794728169, ClinGen allele CA392342210.